The following is an entry in ClinVar:

NM_016169.4(SUFU):c.1366-1del

Gene: SUFU (SUFU negative regulator of hedgehog signaling; plus strand). Cytogenetic location: 10q24.32.
Variant type: Deletion.
Coding change: c.1366-1del on transcript NM_016169.4 (MANE Select); the canonical splice acceptor site of the intron before coding-DNA position 1366, one base deleted (G; older notation c.1366-1delG).
Molecular consequence: splice acceptor variant.
Genome position (GRCh38, 1-based): chr10:102,630,065, G deleted. VCF-style (leftmost placement, unchanged base first): chr10-102630064-AG-A. GRCh37 (hg19) VCF-style: chr10-104389821-AG-A.
Identifiers: ClinVar variation 4759332 (VCV004759332.2).

ClinVar aggregate classification (germline): Uncertain significance. Review status: criteria provided, multiple submitters, no conflicts (2 of 4 stars). 2 submissions from 2 submitters: Uncertain significance (2). Last evaluated 2025-12-13.

Conditions:
Basal cell nevus syndrome 2 (BCNS2). Also called: NEVOID BASAL CELL CARCINOMA SYNDROME 2. Identifiers: MedGen C5830451, MONDO:0958189, OMIM 620343.
Medulloblastoma (MDB). Also called: MEDULLOBLASTOMA PREDISPOSITION SYNDROME; Medulloblastoma, somatic. Identifiers: Orphanet 616, MedGen C0025149, MeSH D008527, MONDO:0007959, OMIM 155255, HP:0002885.
Gorlin syndrome. Also called: Nevoid Basal Cell Carcinoma Syndrome; Basal cell nevus syndrome. Identifiers: Orphanet 377, MedGen C0004779, MONDO:0007187.

Submissions (2):

Labcorp Genetics (formerly Invitae), Labcorp
Classification: Uncertain significance for Gorlin syndrome; Medulloblastoma. Last evaluated: 2025-12-13. Review status: criteria provided, single submitter. Criteria: Invitae Variant Classification Sherloc (09022015). Collection method: clinical testing. Allele origin: germline.
Comment: This sequence change affects a splice site in intron 11 of the SUFU gene. While this variant is not anticipated to result in nonsense mediated decay, it likely alters RNA splicing and results in a disrupted protein product. This variant is not present in population databases (gnomAD no frequency). This variant has not been reported in the literature in individuals affected with SUFU-related conditions. Variants that disrupt the consensus splice site are a relatively common cause of aberrant splicing (PMID: 17576681, 9536098). Algorithms developed to predict the effect of sequence changes on RNA splicing suggest that this variant may disrupt the consensus splice site. In summary, the available evidence is currently insufficient to determine the role of this variant in disease. Therefore, it has been classified as a Variant of Uncertain Significance.

Institute for Genomic Medicine (IGM) Clinical Laboratory, Nationwide Children's Hospital
Classification: Uncertain significance for Basal cell nevus syndrome 2. Last evaluated: 2025-06-04. Review status: criteria provided, single submitter. Criteria: ACMG Guidelines, 2015. Collection method: clinical testing. Allele origin: germline.
Comment: This variant is predicted to result in loss of function through nonsense-mediated decay of the encoded transcript or premature truncation of the encoded protein in a gene in which loss of function is a known mechanism of disease (ACMG/AMP: PVS1_Moderate; PMIDs:30192042, 29186568, 17452975, 25403219, 22508808, 29725392). This variant is absent from or present at an exceedingly low frequency in gnomAD, a large-scale control population database (ACMG/AMP: PM2).

Literature cited by the submitters: PubMed 17576681 (cited by Labcorp Genetics (formerly Invitae), Labcorp); PubMed 9536098 (cited by Labcorp Genetics (formerly Invitae), Labcorp); PubMed 30192042 (cited by Institute for Genomic Medicine (IGM) Clinical Laboratory, Nationwide Children's Hospital); PubMed 29186568 (cited by Institute for Genomic Medicine (IGM) Clinical Laboratory, Nationwide Children's Hospital); PubMed 17452975 (cited by Institute for Genomic Medicine (IGM) Clinical Laboratory, Nationwide Children's Hospital); PubMed 25403219 (cited by Institute for Genomic Medicine (IGM) Clinical Laboratory, Nationwide Children's Hospital); PubMed 22508808 (cited by Institute for Genomic Medicine (IGM) Clinical Laboratory, Nationwide Children's Hospital); PubMed 29725392 (cited by Institute for Genomic Medicine (IGM) Clinical Laboratory, Nationwide Children's Hospital).